The following is an entry in ClinVar:

NM_018105.3(THAP1):c.7C>T (p.Gln3Ter)

Gene: THAP1 (THAP domain containing 1; minus strand). Cytogenetic location: 8p11.21.
Variant type: single nucleotide variant.
Coding change: c.7C>T on transcript NM_018105.3 (MANE Select); coding-DNA position 7, C replaced by T.
Protein change: p.Gln3Ter; replaces glutamine 3 with a stop codon.
Molecular consequence: nonsense.
Genome position (GRCh38, 1-based): chr8:42,843,088, G>A on the plus strand (C>T on the coding strand, the complement: THAP1 is on the minus strand). VCF-style: chr8-42843088-G-A. GRCh37 (hg19) VCF-style: chr8-42698231-G-A.
Other names: c.7C>T, p.Gln3Ter (NM_199003.2); short protein forms Q3*.
Identifiers: ClinVar variation 532263 (VCV000532263.5), dbSNP rs1554599983, ClinGen allele CA371109564.

ClinVar aggregate classification (germline): Pathogenic (1 of 4 stars; one submission).

Conditions:
Torsion dystonia 6 (DYT6). Also called: DYT-THAP1. Identifiers: Orphanet 98806, MedGen C1414216, MONDO:0011264, OMIM 602629.

Allele frequency attached by ClinVar (database versions not stated): gnomAD exomes below 0.00001.
gnomAD v4.1: 1 of 1,613,802 alleles (0.000062%); highest among the groups gnomAD compares: Non-Finnish European, 0.000085%; no homozygotes.

Submission:

Labcorp Genetics (formerly Invitae), Labcorp
Classification: Pathogenic for Torsion dystonia 6. Last evaluated: 2017-08-29. Review status: criteria provided, single submitter. Criteria: Invitae Variant Classification Sherloc (09022015). Collection method: clinical testing. Allele origin: germline.
Comment: This variant has been reported in an individual affected with laryngeal and generalized dystonia (PMID: 20211909). For these reasons, this variant has been classified as Pathogenic. Loss-of-function variants in THAP1 are known to be pathogenic (PMID: 19345147, 20687193, 19182804). This variant is not present in population databases (ExAC no frequency). This sequence change creates a premature translational stop signal (p.Gln3*) in the THAP1 gene. It is expected to result in an absent or disrupted protein product.

Literature cited by the submitters: PubMed 20211909; PubMed 19345147; PubMed 20687193; PubMed 19182804.